The following is an entry in ClinVar:

ClinVar aggregate classification (germline): Conflicting classifications of pathogenicity. Review status: criteria provided, conflicting classifications (1 of 4 stars). 3 submissions from 3 submitters: Uncertain significance (2); Likely benign (1). Last evaluated 2023-06-25.

Conditions:
Spinocerebellar ataxia type 5 (SCA5). Identifiers: Orphanet 98766, MedGen C0752123, MONDO:0010848, OMIM 600224.

Allele frequency attached by ClinVar (database versions not stated): ExAC 0.00002; TOPMed 0.00002; gnomAD 0.00003; gnomAD exomes 0.00003.
gnomAD v4.1: 21 of 1,613,842 alleles (0.0013%); highest among the groups gnomAD compares: Admixed American, 0.0017%; no homozygotes.

Submissions (3):

Labcorp Genetics (formerly Invitae), Labcorp
Classification: Likely benign. Last evaluated: 2023-06-25. Review status: criteria provided, single submitter. Criteria: Invitae Variant Classification Sherloc (09022015). Collection method: clinical testing. Allele origin: germline.

Molecular Genetics, Royal Melbourne Hospital
Classification: Uncertain significance for Spinocerebellar ataxia type 5. Last evaluated: 2023-03-30. Review status: criteria provided, single submitter. Criteria: ACMG Guidelines, 2015. Collection method: clinical testing. Allele origin: germline. Affected: yes.
Comment: This sequence change is predicted to replace arginine with histidine at codon 387 of the SPTBN2 protein (p.(Arg387His)). The arginine residue is not conserved (100 vertebrates, UCSC), and is located in a moderately constrained Spectrin 1 repeat. There is a small physicochemical difference between arginine and histidine. The variant is present in a large population cohort at a frequency of 0.003% (rs772590586, 8/251,294 alleles, 0 homozygotes in gnomAD v2.1). It has been reported as a variant of uncertain significance (ClinVar), but has not been reported in the relevant medical literature. Multiple lines of computational evidence predict a benign effect for the missense substitution (BP4; 5/6 algorithms). Based on the classification scheme RMH ACMG Guidelines v1.2.1, this variant is classified as a VARIANT OF UNCERTAIN SIGNIFICANCE. Following criteria are met: BP4.

Athena Diagnostics
Classification: Uncertain significance. Last evaluated: 2018-09-26. Review status: criteria provided, single submitter. Criteria: Athena Diagnostics Criteria. Collection method: clinical testing. Allele origin: germline.

NM_006946.4(SPTBN2):c.1160G>A (p.Arg387His)

Gene: SPTBN2 (spectrin beta, non-erythrocytic 2; minus strand). Cytogenetic location: 11q13.2.
Variant type: single nucleotide variant.
Coding change: c.1160G>A on transcript NM_006946.4 (MANE Select); coding-DNA position 1160, G replaced by A.
Protein change: p.Arg387His; replaces arginine 387 with histidine.
Molecular consequence: missense variant.
Genome position (GRCh38, 1-based): chr11:66,708,933, C>T on the plus strand (G>A on the coding strand, the complement: SPTBN2 is on the minus strand). VCF-style: chr11-66708933-C-T. GRCh37 (hg19) VCF-style: chr11-66476404-C-T.
Other names: short protein forms R387H.
Identifiers: ClinVar variation 805333 (VCV000805333.6), dbSNP rs772590586, ClinGen allele CA6129466.
Genomic context (GRCh38, chr11:66,708,933, plus strand): 5'-GGGTGGGTGGCCTGTGGGCAGCCACGGACCTTGTTGATGTCCGAGATGAGCCGGCCCTCG[C>T]GGGGCGTGTAGACCTTCTGGTTGTTGGCCCGAAGCTTGCTCTGGATGGTGAAGAGCAGCA-3'
Protein context (NP_008877.2, residues 377-397): RANNQKVYTP[Arg387His]EGRLISDINK